The following is an entry in ClinVar:

NM_030780.5(SLC25A32):c.116C>T (p.Ala39Val)

Gene: SLC25A32 (solute carrier family 25 member 32; minus strand). Cytogenetic location: 8q22.3.
Variant type: single nucleotide variant.
Coding change: c.116C>T on transcript NM_030780.5 (MANE Select); coding-DNA position 116, C replaced by T.
Protein change: p.Ala39Val; replaces alanine 39 with valine.
Molecular consequence: missense variant. On other transcripts: non-coding transcript variant (2).
Genome position (GRCh38, 1-based): chr8:103,414,822, G>A on the plus strand (C>T on the coding strand, the complement: SLC25A32 is on the minus strand). VCF-style: chr8-103414822-G-A. GRCh37 (hg19) VCF-style: chr8-104427050-G-A.
Other names: short protein forms A39V.
Identifiers: ClinVar variation 2282488 (VCV002282488.7), dbSNP rs1274867455, ClinGen allele CA371632267.
Genomic context (GRCh38, chr8:103,414,822, plus strand): 5'-CGGTGTCTGGGCGGGCTCTTACCGGCGAAGCGGATCTTCACGAGGTCGAGCGGATGCAGC[G>A]CAAGGTTGGATAAGACGCCGCCGCTCACGCCCGCTATCAGGTTCTCATACCGGACGTGGC-3'
Protein context (NP_110407.2, residues 29-49): GVSGGVLSNL[Ala39Val]LHPLDLVKIR

ClinVar aggregate classification (germline): Uncertain significance. Review status: criteria provided, multiple submitters, no conflicts (2 of 4 stars). 2 submissions from 2 submitters: Uncertain significance (2). Last evaluated 2025-06-03.

gnomAD v4.1: 35 of 1,613,708 alleles (0.0022%); highest among the groups gnomAD compares: Non-Finnish European, 0.0029%; no homozygotes.

Submissions (2):

Ambry Genetics
Classification: Uncertain significance. Last evaluated: 2025-06-03. Review status: criteria provided, single submitter. Criteria: Ambry Variant Classification Scheme 2023. Collection method: clinical testing. Allele origin: germline.

Labcorp Genetics (formerly Invitae), Labcorp
Classification: Uncertain significance. Last evaluated: 2024-09-22. Review status: criteria provided, single submitter. Criteria: Invitae Variant Classification Sherloc (09022015). Collection method: clinical testing. Allele origin: germline.
Comment: This sequence change replaces alanine, which is neutral and non-polar, with valine, which is neutral and non-polar, at codon 39 of the SLC25A32 protein (p.Ala39Val). This variant is present in population databases (no rsID available, gnomAD 0.002%). This variant has not been reported in the literature in individuals affected with SLC25A32-related conditions. ClinVar contains an entry for this variant (Variation ID: 2282488). Invitae Evidence Modeling of protein sequence and biophysical properties (such as structural, functional, and spatial information, amino acid conservation, physicochemical variation, residue mobility, and thermodynamic stability) indicates that this missense variant is not expected to disrupt SLC25A32 protein function with a negative predictive value of 80%. In summary, the available evidence is currently insufficient to determine the role of this variant in disease. Therefore, it has been classified as a Variant of Uncertain Significance.